The following is an entry in ClinVar:

NM_001093.4(ACACB):c.1496G>A (p.Arg499His)

Gene: ACACB (acetyl-CoA carboxylase beta; plus strand). Cytogenetic location: 12q24.11.
Variant type: single nucleotide variant.
Coding change: c.1496G>A on transcript NM_001093.4 (MANE Select); coding-DNA position 1496, G replaced by A.
Protein change: p.Arg499His; replaces arginine 499 with histidine.
Molecular consequence: missense variant.
Genome position (GRCh38, 1-based): chr12:109,179,146, G>A. VCF-style: chr12-109179146-G-A. GRCh37 (hg19) VCF-style: chr12-109616951-G-A.
Other names: c.1496G>A, p.Arg499His (NM_001412734.1, NM_001412735.1); c.890G>A, p.Arg297His (NM_001412736.1, NM_001412738.1, NM_001412739.1 and 2 more transcripts); c.869G>A, p.Arg290His (NM_001412737.1); short protein forms R297H, R290H, R499H.
Identifiers: ClinVar variation 3260424 (VCV003260424.2).

ClinVar aggregate classification (germline): Uncertain significance. Review status: criteria provided, multiple submitters, no conflicts (2 of 4 stars). 2 submissions from 2 submitters: Uncertain significance (2). Last evaluated 2025-09-30.

Conditions:
ACACB-related disorder. Also called: ACACB-related condition.

gnomAD v4.1: 175 of 1,613,850 alleles (0.011%); highest among the groups gnomAD compares: Non-Finnish European, 0.012%; no homozygotes.

Submissions (2):

PreventionGenetics, part of Exact Sciences
Classification: Uncertain significance for ACACB-related condition. Last evaluated: 2025-09-30. Review status: criteria provided, single submitter. Criteria: ACMG Guidelines, 2015. Collection method: clinical testing. Allele origin: germline.
Comment: The ACACB c.1496G>A variant is predicted to result in the amino acid substitution p.Arg499His. To our knowledge, this variant has not been reported in the literature. This variant is reported in 0.077% of alleles in individuals of Ashkenazi Jewish descent in gnomAD. At this time, the clinical significance of this variant is uncertain due to the absence of conclusive functional and genetic evidence.

Ambry Genetics
Classification: Uncertain significance. Last evaluated: 2024-03-20. Review status: criteria provided, single submitter. Criteria: Ambry Variant Classification Scheme 2023. Collection method: clinical testing. Allele origin: germline.